The following is an entry in ClinVar:

NM_001846.4(COL4A2):c.1207C>A (p.Pro403Thr)

Gene: COL4A2 (collagen type IV alpha 2 chain; plus strand). Cytogenetic location: 13q34.
Variant type: single nucleotide variant.
Coding change: c.1207C>A on transcript NM_001846.4 (MANE Select); coding-DNA position 1207, C replaced by A.
Protein change: p.Pro403Thr; replaces proline 403 with threonine.
Molecular consequence: missense variant.
Genome position (GRCh38, 1-based): chr13:110,450,322, C>A. VCF-style: chr13-110450322-C-A. GRCh37 (hg19) VCF-style: chr13-111102669-C-A.
Other names: short protein forms P403T.
Identifiers: ClinVar variation 4700247 (VCV004700247.1).

ClinVar aggregate classification (germline): Uncertain significance (1 of 4 stars; one submission).

gnomAD v4.1: 5 of 1,613,520 alleles (0.00031%); highest among the groups gnomAD compares: African/African-American, 0.0013%; no homozygotes.

Submission:

Labcorp Genetics (formerly Invitae), Labcorp
Classification: Uncertain significance. Last evaluated: 2025-07-30. Review status: criteria provided, single submitter. Criteria: Invitae Variant Classification Sherloc (09022015). Collection method: clinical testing. Allele origin: germline.
Comment: This sequence change replaces proline, which is neutral and non-polar, with threonine, which is neutral and polar, at codon 403 of the COL4A2 protein (p.Pro403Thr). This variant is present in population databases (no rsID available, gnomAD 0.01%). This variant has not been reported in the literature in individuals affected with COL4A2-related conditions. Invitae Evidence Modeling of protein sequence and biophysical properties (such as structural, functional, and spatial information, amino acid conservation, physicochemical variation, residue mobility, and thermodynamic stability) indicates that this missense variant is not expected to disrupt COL4A2 protein function with a negative predictive value of 95%. In summary, the available evidence is currently insufficient to determine the role of this variant in disease. Therefore, it has been classified as a Variant of Uncertain Significance.